The following is an entry in ClinVar:

NM_000020.3(ACVRL1):c.263A>G (p.Tyr88Cys)

Gene: ACVRL1 (activin A receptor like type 1; plus strand). Cytogenetic location: 12q13.13.
Variant type: single nucleotide variant.
Coding change: c.263A>G on transcript NM_000020.3 (MANE Select); coding-DNA position 263, A replaced by G.
Protein change: p.Tyr88Cys; replaces tyrosine 88 with cysteine.
Molecular consequence: missense variant.
Genome position (GRCh38, 1-based): chr12:51,913,300, A>G. VCF-style: chr12-51913300-A-G. GRCh37 (hg19) VCF-style: chr12-52307084-A-G.
Other names: c.263A>G, p.Tyr88Cys (NM_001077401.2); short protein forms Y88C.
Identifiers: ClinVar variation 1017571 (VCV001017571.10), dbSNP rs1940739692, ClinGen allele CA384898028.

ClinVar aggregate classification (germline): Conflicting classifications of pathogenicity. Review status: criteria provided, conflicting classifications (1 of 4 stars). 2 submissions from 2 submitters: Pathogenic (1); Uncertain significance (1). Last evaluated 2025-10-06.

Conditions:
Cardiovascular phenotype. Identifiers: MedGen CN230736.
Telangiectasia, hereditary hemorrhagic, type 2 (HHT2). Also called: ACVRL1-Related Hereditary Hemorrhagic Telangiectasia; Telangiectasia, hereditary hemorrhagic, type II. Identifiers: Orphanet 774, MedGen C1838163, MONDO:0010880, OMIM 600376. Disease mechanism: loss of function.

Submissions (2):

Labcorp Genetics (formerly Invitae), Labcorp
Classification: Pathogenic for Telangiectasia, hereditary hemorrhagic, type 2. Last evaluated: 2025-10-06. Review status: criteria provided, single submitter. Criteria: Invitae Variant Classification Sherloc (09022015). Collection method: clinical testing. Allele origin: germline.
Comment: This sequence change replaces tyrosine, which is neutral and polar, with cysteine, which is neutral and slightly polar, at codon 88 of the ACVRL1 protein (p.Tyr88Cys). This variant is not present in population databases (gnomAD no frequency). This missense change has been observed in individual(s) with hereditary hemorrhagic telangiectasia (PMID: 17384219, 23729109, 29923633, 32300199; internal data). In at least one individual the variant was observed to be de novo. ClinVar contains an entry for this variant (Variation ID: 1017571). Invitae Evidence Modeling of protein sequence and biophysical properties (such as structural, functional, and spatial information, amino acid conservation, physicochemical variation, residue mobility, and thermodynamic stability) has been performed for this missense variant. However, the output from this modeling did not meet the statistical confidence thresholds required to predict the impact of this variant on ACVRL1 protein function. For these reasons, this variant has been classified as Pathogenic.

Ambry Genetics
Classification: Uncertain significance for Cardiovascular phenotype. Last evaluated: 2019-04-03. Review status: criteria provided, single submitter. Criteria: Ambry Variant Classification Scheme 2023. Collection method: clinical testing. Allele origin: germline.
Comment: The p.Y88C variant (also known as c.263A>G), located in coding exon 2 of the ACVRL1 gene, results from an A to G substitution at nucleotide position 263. The tyrosine at codon 88 is replaced by cysteine, an amino acid with highly dissimilar properties. This variant was identified in an individual with a clinical diagnosis of hereditary hemorrhagic telangiectasia (HHT); however, specific clinical information was limited (Gedge F et al. J Mol Diagn, 2007 Apr;9:258-65). This amino acid position is not well conserved in available vertebrate species. In addition, the in silico prediction for this alteration is inconclusive. Based on available evidence to date, the clinical significance of this alteration remains unclear.

Literature cited by the submitters: PubMed 17384219 (cited by Labcorp Genetics (formerly Invitae), Labcorp and Ambry Genetics); PubMed 23729109 (cited by Labcorp Genetics (formerly Invitae), Labcorp); PubMed 29923633 (cited by Labcorp Genetics (formerly Invitae), Labcorp and Ambry Genetics); PubMed 32300199 (cited by Labcorp Genetics (formerly Invitae), Labcorp).